The following is an entry in ClinVar:

ClinVar aggregate classification (germline): Uncertain significance (1 of 4 stars; one submission).

Conditions:
LAMA2-related muscular dystrophy (LAMA2-RD). Also called: Laminin alpha 2-related dystrophy. Identifiers: MedGen C5679788, MONDO:0100228.

Allele frequency attached by ClinVar (database versions not stated): gnomAD exomes below 0.00001; ExAC 0.00001; gnomAD 0.00001; ESP Exome Variant Server 0.00008.
gnomAD v4.1: 4 of 1,613,812 alleles (0.00025%); highest among the groups gnomAD compares: African/African-American, 0.004%; no homozygotes.

Submission:

Labcorp Genetics (formerly Invitae), Labcorp
Classification: Uncertain significance for LAMA2-related muscular dystrophy. Last evaluated: 2022-05-18. Review status: criteria provided, single submitter. Criteria: Invitae Variant Classification Sherloc (09022015). Collection method: clinical testing. Allele origin: germline.
Comment: This sequence change replaces leucine, which is neutral and non-polar, with proline, which is neutral and non-polar, at codon 2687 of the LAMA2 protein (p.Leu2687Pro). This variant is present in population databases (rs147057821, gnomAD 0.007%). This variant has not been reported in the literature in individuals affected with LAMA2-related conditions. Algorithms developed to predict the effect of missense changes on protein structure and function are either unavailable or do not agree on the potential impact of this missense change (SIFT: "Deleterious"; PolyPhen-2: "Probably Damaging"; Align-GVGD: "Class C0"). In summary, the available evidence is currently insufficient to determine the role of this variant in disease. Therefore, it has been classified as a Variant of Uncertain Significance.

NM_000426.4(LAMA2):c.8060T>C (p.Leu2687Pro)

Gene: LAMA2 (laminin subunit alpha 2; plus strand). Cytogenetic location: 6q22.33.
Variant type: single nucleotide variant.
Coding change: c.8060T>C on transcript NM_000426.4 (MANE Select); coding-DNA position 8060, T replaced by C.
Protein change: p.Leu2687Pro; replaces leucine 2687 with proline.
Molecular consequence: missense variant.
Genome position (GRCh38, 1-based): chr6:129,492,062, T>C. VCF-style: chr6-129492062-T-C. GRCh37 (hg19) VCF-style: chr6-129813207-T-C.
Other names: c.8048T>C, p.Leu2683Pro (NM_001079823.2); short protein forms L2683P, L2687P.
Identifiers: ClinVar variation 2415986 (VCV002415986.7), dbSNP rs147057821, ClinGen allele CA3994721.
Genomic context (GRCh38, chr6:129,492,062, plus strand): 5'-CTGAATTTCAACCTTCCCCACTCAGAAATATTCCTCCTTTTGAAGGCTGCATATGGAATC[T>C]TGTTATTAACTCTGTGTAAGTGGATCTCCTCATTACTACTACTAATTTTTTATTTTTATT-3'
Protein context (NP_000417.3, residues 2677-2697): IPPFEGCIWN[Leu2687Pro]VINSVPMDFA